The following is an entry in ClinVar:

ClinVar aggregate classification (germline): Pathogenic (1 of 4 stars; one submission).

Submission:

GeneDx
Classification: Pathogenic. Last evaluated: 2025-03-12. Review status: criteria provided, single submitter. Criteria: GeneDx Variant Classification Process June 2021. Collection method: clinical testing. Allele origin: germline. Affected: yes.
Comment: Nonsense variant predicted to result in protein truncation or nonsense mediated decay in a gene for which loss of function is a known mechanism of disease; Not observed at significant frequency in large population cohorts (gnomAD); Has not been previously published as pathogenic or benign to our knowledge

NM_080632.3(UPF3B):c.724C>T (p.Arg242Ter)

Gene: UPF3B (UPF3B regulator of nonsense mediated mRNA decay; minus strand). Cytogenetic location: Xq24.
Variant type: single nucleotide variant.
Coding change: c.724C>T on transcript NM_080632.3 (MANE Select); coding-DNA position 724, C replaced by T.
Protein change: p.Arg242Ter; replaces arginine 242 with a stop codon.
Molecular consequence: nonsense.
Genome position (GRCh38, 1-based): chrX:119,841,159, G>A on the plus strand (C>T on the coding strand, the complement: UPF3B is on the minus strand). VCF-style: chrX-119841159-G-A. GRCh37 (hg19) VCF-style: chrX-118975122-G-A.
Other names: c.724C>T, p.Arg242Ter (NM_023010.4); short protein forms R242*.
Identifiers: ClinVar variation 3600688 (VCV003600688.2).